The following is an entry in ClinVar:

ClinVar aggregate classification (germline): Uncertain significance (1 of 4 stars; one submission).

Submission:

CeGaT Center for Human Genetics Tuebingen
Classification: Uncertain significance. Last evaluated: 2026-08-01. Review status: criteria provided, single submitter. Criteria: CeGaT Center For Human Genetics Tuebingen Variant Classification Criteria Version 2. Collection method: clinical testing. Allele origin: germline. Affected: yes. Observed: 1 variant allele.
Comment: TTN: PM2

NM_001267550.2(TTN):c.43865G>A (p.Gly14622Glu)

Gene: TTN (titin; minus strand). Cytogenetic location: 2q31.2.
Variant type: single nucleotide variant.
Coding change: c.43865G>A on transcript NM_001267550.2 (MANE Select); coding-DNA position 43865, G replaced by A.
Protein change: p.Gly14622Glu; replaces glycine 14622 with glutamic acid.
Molecular consequence: missense variant.
Genome position (GRCh38, 1-based): chr2:178,631,183, C>T on the plus strand (G>A on the coding strand, the complement: TTN is on the minus strand). VCF-style: chr2-178631183-C-T. GRCh37 (hg19) VCF-style: chr2-179495910-C-T.
Other names: c.38942G>A, p.Gly12981Glu (NM_001256850.1); c.16670G>A, p.Gly5557Glu (NM_003319.4); c.36161G>A, p.Gly12054Glu (NM_133378.4); c.17045G>A, p.Gly5682Glu (NM_133432.3); c.17246G>A, p.Gly5749Glu (NM_133437.4); short protein forms G12054E, G12981E, G14622E, G5557E, G5682E, G5749E.
Identifiers: ClinVar variation 5039437 (VCV005039437.1).